The following is an entry in ClinVar:

NM_147127.5(EVC2):c.2062A>G (p.Arg688Gly)

Gene: EVC2 (EvC ciliary complex subunit 2; minus strand). Cytogenetic location: 4p16.2.
Variant type: single nucleotide variant.
Coding change: c.2062A>G on transcript NM_147127.5 (MANE Select); coding-DNA position 2062, A replaced by G.
Protein change: p.Arg688Gly; replaces arginine 688 with glycine.
Molecular consequence: missense variant.
Genome position (GRCh38, 1-based): chr4:5,622,976, T>C on the plus strand (A>G on the coding strand, the complement: EVC2 is on the minus strand). VCF-style: chr4-5622976-T-C. GRCh37 (hg19) VCF-style: chr4-5624703-T-C.
Other names: c.1822A>G, p.Arg608Gly (NM_001166136.2); short protein forms R608G, R688G.
Identifiers: ClinVar variation 3752870 (VCV003752870.2).

ClinVar aggregate classification (germline): Uncertain significance (1 of 4 stars; one submission).

Conditions:
Curry-Hall syndrome (WAD). Also called: WEYERS ACRODENTAL DYSOSTOSIS. Identifiers: Orphanet 952, MedGen C0457013, MONDO:0008673, OMIM 193530.
Ellis-van Creveld syndrome (EVC). Also called: EVC-Related Ellis-van Creveld Syndrome; EVC2-Related Ellis-van Creveld Syndrome; MESOECTODERMAL DYSPLASIA; Chondroectodermal dysplasia. Identifiers: Orphanet 289, MedGen C0013903, MONDO:0009162, OMIM 225500.

Submission:

Labcorp Genetics (formerly Invitae), Labcorp
Classification: Uncertain significance for Curry-Hall syndrome; Ellis-van Creveld syndrome. Last evaluated: 2025-09-03. Review status: criteria provided, single submitter. Criteria: Invitae Variant Classification Sherloc (09022015). Collection method: clinical testing. Allele origin: germline.
Comment: This sequence change replaces arginine, which is basic and polar, with glycine, which is neutral and non-polar, at codon 688 of the EVC2 protein (p.Arg688Gly). This variant is not present in population databases (gnomAD no frequency). This variant has not been reported in the literature in individuals affected with EVC2-related conditions. ClinVar contains an entry for this variant (Variation ID: 3752870). An algorithm developed to predict the effect of missense changes on protein structure and function (PolyPhen-2) suggests that this variant is likely to be tolerated. In summary, the available evidence is currently insufficient to determine the role of this variant in disease. Therefore, it has been classified as a Variant of Uncertain Significance.